The following is an entry in ClinVar:

ClinVar aggregate classification (germline): Uncertain significance (1 of 4 stars; one submission).

Allele frequency attached by ClinVar (database versions not stated): gnomAD exomes 0.00001; TOPMed 0.00004.
gnomAD v4.1: 6 of 1,614,192 alleles (0.00037%); highest among the groups gnomAD compares: Admixed American, 0.01%; no homozygotes.

Submission:

Labcorp Genetics (formerly Invitae), Labcorp
Classification: Uncertain significance. Last evaluated: 2023-11-07. Review status: criteria provided, single submitter. Criteria: Invitae Variant Classification Sherloc (09022015). Collection method: clinical testing. Allele origin: germline.
Comment: This sequence change replaces lysine, which is basic and polar, with arginine, which is basic and polar, at codon 443 of the ALPK1 protein (p.Lys443Arg). This variant is present in population databases (rs769809255, gnomAD 0.02%). This variant has not been reported in the literature in individuals affected with ALPK1-related conditions. Advanced modeling of protein sequence and biophysical properties (such as structural, functional, and spatial information, amino acid conservation, physicochemical variation, residue mobility, and thermodynamic stability) performed at Invitae indicates that this missense variant is not expected to disrupt ALPK1 protein function with a negative predictive value of 80%. In summary, the available evidence is currently insufficient to determine the role of this variant in disease. Therefore, it has been classified as a Variant of Uncertain Significance.

NM_025144.4(ALPK1):c.1328A>G (p.Lys443Arg)

Gene: ALPK1 (alpha kinase 1; plus strand). Cytogenetic location: 4q25.
Variant type: single nucleotide variant.
Coding change: c.1328A>G on transcript NM_025144.4 (MANE Select); coding-DNA position 1328, A replaced by G.
Protein change: p.Lys443Arg; replaces lysine 443 with arginine.
Molecular consequence: missense variant.
Genome position (GRCh38, 1-based): chr4:112,430,875, A>G. VCF-style: chr4-112430875-A-G. GRCh37 (hg19) VCF-style: chr4-113352031-A-G.
Other names: c.1328A>G, p.Lys443Arg (NM_001102406.2); c.1094A>G, p.Lys365Arg (NM_001253884.2); short protein forms K443R, K365R.
Identifiers: ClinVar variation 2908764 (VCV002908764.3), dbSNP rs769809255, ClinGen allele CA3046710.